The following is an entry in ClinVar:

NM_001631.5(ALPI):c.1050G>A (p.Ala350=)

Gene: ALPI (alkaline phosphatase, intestinal; plus strand). Cytogenetic location: 2q37.1.
Variant type: single nucleotide variant.
Coding change: c.1050G>A on transcript NM_001631.5 (MANE Select); coding-DNA position 1050, G replaced by A.
Protein change: p.Ala350=; no amino-acid change (alanine 350 retained).
Molecular consequence: synonymous variant.
Genome position (GRCh38, 1-based): chr2:232,458,275, G>A. VCF-style: chr2-232458275-G-A. GRCh37 (hg19) VCF-style: chr2-233322985-G-A.
Identifiers: ClinVar variation 3057720 (VCV003057720.3), dbSNP rs143128875, ClinGen allele CA2166640.

ClinVar aggregate classification (germline): Likely benign. Review status: criteria provided, single submitter (1 of 4 stars). 2 submissions from 2 submitters: Likely benign (1). 1 of the submissions does not count toward it. Last evaluated 2024-04-25.

Conditions:
ALPI-related disorder. Also called: ALPI-related condition.

Allele frequency attached by ClinVar (database versions not stated): ExAC 0.00007; ESP Exome Variant Server 0.00008; TOPMed 0.00015; gnomAD 0.00025.

Submissions (2):

Blueprint Genetics
Classification: Likely benign. Last evaluated: 2024-04-25. Review status: criteria provided, single submitter. Criteria: ACMG Guidelines, 2015. Collection method: clinical testing. Allele origin: germline.

PreventionGenetics, part of Exact Sciences
Classification: Likely benign for ALPI-related condition. Last evaluated: 2019-04-01. Review status: no assertion criteria provided. Collection method: clinical testing. Allele origin: germline. Not counted in ClinVar's aggregate classification.
Comment: This variant is classified as likely benign based on ACMG/AMP sequence variant interpretation guidelines (Richards et al. 2015 PMID: 25741868, with internal and published modifications).